The following is an entry in ClinVar:

ClinVar aggregate classification (germline): Uncertain significance. Review status: criteria provided, multiple submitters, no conflicts (2 of 4 stars). 2 submissions from 2 submitters: Uncertain significance (2). Last evaluated 2021-10-22.

Conditions:
Inborn genetic diseases. Identifiers: MedGen C0950123, MeSH D030342.

Allele frequency attached by ClinVar (database versions not stated): gnomAD exomes 0.00001; TOPMed 0.00001; gnomAD 0.00001; ExAC 0.00002.
gnomAD v4.1: 10 of 1,594,334 alleles (0.00063%); highest among the groups gnomAD compares: Non-Finnish European, 0.00085%; no homozygotes.

Submissions (2):

Ambry Genetics
Classification: Uncertain significance for Inborn genetic diseases. Last evaluated: 2021-10-22. Review status: criteria provided, single submitter. Criteria: Ambry Variant Classification Scheme 2023. Collection method: clinical testing. Allele origin: germline.

Labcorp Genetics (formerly Invitae), Labcorp
Classification: Uncertain significance. Last evaluated: 2020-02-26. Review status: criteria provided, single submitter. Criteria: Invitae Variant Classification Sherloc (09022015). Collection method: clinical testing. Allele origin: germline.
Comment: In summary, the available evidence is currently insufficient to determine the role of this variant in disease. Therefore, it has been classified as a Variant of Uncertain Significance. Algorithms developed to predict the effect of missense changes on protein structure and function output the following: SIFT: "Deleterious"; PolyPhen-2: "Benign"; Align-GVGD: "Class C0". The serine amino acid residue is found in multiple mammalian species, suggesting that this missense change does not adversely affect protein function. These predictions have not been confirmed by published functional studies and their clinical significance is uncertain. This variant has not been reported in the literature in individuals with SLC24A1-related conditions. This variant is present in population databases (rs781205450, ExAC 0.003%). This sequence change replaces proline with serine at codon 170 of the SLC24A1 protein (p.Pro170Ser). The proline residue is weakly conserved and there is a moderate physicochemical difference between proline and serine.

NM_004727.3(SLC24A1):c.508C>T (p.Pro170Ser)

Gene: SLC24A1 (solute carrier family 24 member 1; plus strand). Cytogenetic location: 15q22.31.
Variant type: single nucleotide variant.
Coding change: c.508C>T on transcript NM_004727.3 (MANE Select); coding-DNA position 508, C replaced by T.
Protein change: p.Pro170Ser; replaces proline 170 with serine.
Molecular consequence: missense variant.
Genome position (GRCh38, 1-based): chr15:65,624,588, C>T. VCF-style: chr15-65624588-C-T. GRCh37 (hg19) VCF-style: chr15-65916926-C-T.
Other names: c.508C>T, p.Pro170Ser (NM_001301031.1, NM_001301032.1, NM_001301033.2); c.508C>T (NM_004727.2); short protein forms P170S.
Identifiers: ClinVar variation 1017475 (VCV001017475.9), dbSNP rs781205450, ClinGen allele CA7619761.